The following is an entry in ClinVar:

NM_030665.4(RAI1):c.3240C>G (p.Pro1080=)

Gene: RAI1 (retinoic acid induced 1; plus strand). Cytogenetic location: 17p11.2.
Variant type: single nucleotide variant.
Coding change: c.3240C>G on transcript NM_030665.4 (MANE Select); coding-DNA position 3240, C replaced by G.
Protein change: p.Pro1080=; no amino-acid change (proline 1080 retained).
Molecular consequence: synonymous variant.
Genome position (GRCh38, 1-based): chr17:17,796,188, C>G. VCF-style: chr17-17796188-C-G. GRCh37 (hg19) VCF-style: chr17-17699502-C-G.
Other names: c.3240C>G (NM_030665.3).
Identifiers: ClinVar variation 1611717 (VCV001611717.9), dbSNP rs2032238627, ClinGen allele CA498424290.

ClinVar aggregate classification (germline): Likely benign. Review status: criteria provided, single submitter (1 of 4 stars). 2 submissions from 2 submitters: Likely benign (1). 1 of the submissions does not count toward it. Last evaluated 2022-07-26.

Conditions:
RAI1-related disorder. Also called: RAI1-related condition.

Allele frequency attached by ClinVar (database versions not stated): gnomAD exomes below 0.00001; TOPMed below 0.00001; gnomAD 0.00001.
gnomAD v4.1: 3 of 1,554,272 alleles (0.00019%); highest among the groups gnomAD compares: African/African-American, 0.0041%; no homozygotes.

Submissions (2):

Labcorp Genetics (formerly Invitae), Labcorp
Classification: Likely benign. Last evaluated: 2022-07-26. Review status: criteria provided, single submitter. Criteria: Invitae Variant Classification Sherloc (09022015). Collection method: clinical testing. Allele origin: germline.

PreventionGenetics, part of Exact Sciences
Classification: Likely benign for RAI1-related condition. Last evaluated: 2023-11-19. Review status: no assertion criteria provided. Collection method: clinical testing. Allele origin: germline. Not counted in ClinVar's aggregate classification.
Comment: This variant is classified as likely benign based on ACMG/AMP sequence variant interpretation guidelines (Richards et al. 2015 PMID: 25741868, with internal and published modifications).